The following is an entry in ClinVar:

NM_152594.3(SPRED1):c.1015C>T (p.Gln339Ter)

Gene: SPRED1 (sprouty related EVH1 domain containing 1; plus strand). Cytogenetic location: 15q14.
Variant type: single nucleotide variant.
Coding change: c.1015C>T on transcript NM_152594.3 (MANE Select); coding-DNA position 1015, C replaced by T.
Protein change: p.Gln339Ter; replaces glutamine 339 with a stop codon.
Molecular consequence: nonsense.
Genome position (GRCh38, 1-based): chr15:38,351,344, C>T. VCF-style: chr15-38351344-C-T. GRCh37 (hg19) VCF-style: chr15-38643545-C-T.
Other names: short protein forms Q339*.
Identifiers: ClinVar variation 592540 (VCV000592540.10), dbSNP rs1566876895, ClinGen allele CA391933783.

ClinVar aggregate classification (germline): Pathogenic. Review status: criteria provided, multiple submitters, no conflicts (2 of 4 stars). 2 submissions from 2 submitters: Pathogenic (2). Last evaluated 2021-08-04.

Conditions:
Legius syndrome. Identifiers: Orphanet 137605, MedGen C1969623, MONDO:0012669, OMIM 611431. Disease mechanism: loss of function.

Submissions (2):

Labcorp Genetics (formerly Invitae), Labcorp
Classification: Pathogenic for Legius syndrome. Last evaluated: 2021-08-04. Review status: criteria provided, single submitter. Criteria: Invitae Variant Classification Sherloc (09022015). Collection method: clinical testing. Allele origin: germline.
Comment: For these reasons, this variant has been classified as Pathogenic. This variant disrupts a region of the SPRED1 protein in which other variant(s) (p.Gly385Ilefs*20) have been determined to be pathogenic (PMID: 17704776, 21089071). This suggests that this is a clinically significant region of the protein, and that variants that disrupt it are likely to be disease-causing. ClinVar contains an entry for this variant (Variation ID: 592540). This variant has not been reported in the literature in individuals affected with SPRED1-related conditions. This variant is not present in population databases (ExAC no frequency). This sequence change creates a premature translational stop signal (p.Gln339*) in the SPRED1 gene. While this is not anticipated to result in nonsense mediated decay, it is expected to disrupt the last 106 amino acid(s) of the SPRED1 protein.

Eurofins Ntd Llc (ga)
Classification: Pathogenic. Last evaluated: 2018-07-13. Review status: criteria provided, single submitter. Criteria: EGL ClinVar v180209 classification definitions. Collection method: clinical testing. Allele origin: germline. Observed: 1 variant allele, 1 heterozygote.

Literature cited by the submitters: PubMed 17704776 (cited by Labcorp Genetics (formerly Invitae), Labcorp); PubMed 21089071 (cited by Labcorp Genetics (formerly Invitae), Labcorp).